The following is an entry in ClinVar:

ClinVar aggregate classification (germline): Uncertain significance. Review status: criteria provided, multiple submitters, no conflicts (2 of 4 stars). 2 submissions from 2 submitters: Uncertain significance (2). Last evaluated 2025-08-12.

Conditions:
Inborn genetic diseases. Identifiers: MedGen C0950123, MeSH D030342.

Allele frequency attached by ClinVar (database versions not stated): gnomAD 0.00001; gnomAD exomes 0.00001 and 0.00002; TOPMed 0.00001.
gnomAD v4.1: 29 of 1,613,982 alleles (0.0018%); highest among the groups gnomAD compares: Non-Finnish European, 0.0023%; no homozygotes.

Submissions (2):

Ambry Genetics
Classification: Uncertain significance for Inborn genetic diseases. Last evaluated: 2025-08-12. Review status: criteria provided, single submitter. Criteria: Ambry Variant Classification Scheme 2023. Collection method: clinical testing. Allele origin: germline.

Labcorp Genetics (formerly Invitae), Labcorp
Classification: Uncertain significance. Last evaluated: 2024-03-13. Review status: criteria provided, single submitter. Criteria: Invitae Variant Classification Sherloc (09022015). Collection method: clinical testing. Allele origin: germline.
Comment: This sequence change replaces lysine, which is basic and polar, with glutamine, which is neutral and polar, at codon 27 of the ATP1A1 protein (p.Lys27Gln). This variant is present in population databases (no rsID available, gnomAD 0.002%). This variant has not been reported in the literature in individuals affected with ATP1A1-related conditions. ClinVar contains an entry for this variant (Variation ID: 1381823). Advanced modeling of protein sequence and biophysical properties (such as structural, functional, and spatial information, amino acid conservation, physicochemical variation, residue mobility, and thermodynamic stability) performed at Invitae indicates that this missense variant is not expected to disrupt ATP1A1 protein function with a negative predictive value of 95%. In summary, the available evidence is currently insufficient to determine the role of this variant in disease. Therefore, it has been classified as a Variant of Uncertain Significance.

NM_000701.8(ATP1A1):c.79A>C (p.Lys27Gln)

Gene: ATP1A1 (ATPase Na+/K+ transporting subunit alpha 1; plus strand). Cytogenetic location: 1p13.1.
Variant type: single nucleotide variant.
Coding change: c.79A>C on transcript NM_000701.8 (MANE Select); coding-DNA position 79, A replaced by C.
Protein change: p.Lys27Gln; replaces lysine 27 with glutamine.
Molecular consequence: missense variant. On other transcripts: 5 prime UTR variant (1).
Genome position (GRCh38, 1-based): chr1:116,384,080, A>C. VCF-style: chr1-116384080-A-C. GRCh37 (hg19) VCF-style: chr1-116926702-A-C.
Other names: c.79A>C (NM_001160233.1); c.79A>C, p.Lys27Gln (NM_001160233.2); c.-15A>C (NM_001160234.2); short protein forms K27Q.
Identifiers: ClinVar variation 1381823 (VCV001381823.9), dbSNP rs906254720, ClinGen allele CA30066740.